The following is an entry in ClinVar:

NM_001365951.3(KIF1B):c.4309C>T (p.Arg1437Ter)

Gene: KIF1B (kinesin family member 1B; plus strand). Cytogenetic location: 1p36.22.
Variant type: single nucleotide variant.
Coding change: c.4309C>T on transcript NM_001365951.3 (MANE Select); coding-DNA position 4309, C replaced by T.
Protein change: p.Arg1437Ter; replaces arginine 1437 with a stop codon.
Molecular consequence: nonsense.
Genome position (GRCh38, 1-based): chr1:10,363,287, C>T. VCF-style: chr1-10363287-C-T. GRCh37 (hg19) VCF-style: chr1-10423345-C-T.
Other names: c.4309C>T, p.Arg1437Ter (NM_001365952.1); c.4171C>T, p.Arg1391Ter (NM_015074.3); short protein forms R1437*, R1391*.
Identifiers: ClinVar variation 4043115 (VCV004043115.1).
Genomic context (GRCh38, chr1:10,363,287, plus strand): 5'-TTTTCCTGTTTTTGTGCTTTAAGAGATTAAACAATTGTTTTATTTTCTTCAAATAGGAAT[C>T]GAGTCACTGGCATTTACGAACTCAGCTTATGCAAAATGTCAGACACAGGTAGTCCAGGTA-3'

ClinVar aggregate classification (germline): Uncertain significance (1 of 4 stars; one submission).

gnomAD v4.1: 2 of 1,611,694 alleles (0.00012%); highest among the groups gnomAD compares: Admixed American, 0.0017%; no homozygotes.

Submission:

Ambry Genetics
Classification: Uncertain significance. Last evaluated: 2025-04-23. Review status: criteria provided, single submitter. Criteria: Ambry Variant Classification Scheme 2023. Collection method: clinical testing. Allele origin: germline.
Comment: The p.R1391* variant (also known as c.4171C>T), located in coding exon 38 of the KIF1B gene, results from a C to T substitution at nucleotide position 4171. This changes the amino acid from an arginine to a stop codon within coding exon 38. This alteration is expected to result in loss of function by premature protein truncation or nonsense-mediated mRNA decay. The evidence for this gene-disease relationship is limited; therefore, the clinical significance of this alteration is unclear.